The following is an entry in ClinVar:

ClinVar aggregate classification (germline): Uncertain significance (1 of 4 stars; one submission).

Conditions:
Inborn genetic diseases. Identifiers: MedGen C0950123, MeSH D030342.

Submission:

Ambry Genetics
Classification: Uncertain significance for Inborn genetic diseases. Last evaluated: 2025-07-19. Review status: criteria provided, single submitter. Criteria: Ambry Variant Classification Scheme 2023. Collection method: clinical testing. Allele origin: germline.
Comment: The p.K1056E variant (also known as c.3166A>G), located in coding exon 24 of the ANKRD26 gene, results from an A to G substitution at nucleotide position 3166. The lysine at codon 1056 is replaced by glutamic acid, an amino acid with similar properties. This amino acid position is conserved. In addition, this alteration is predicted to be tolerated by in silico analysis. Based on the available evidence, the clinical significance of this variant remains unclear.

NM_014915.3(ANKRD26):c.3166A>G (p.Lys1056Glu)

Gene: ANKRD26 (ankyrin repeat domain containing 26; minus strand). Cytogenetic location: 10p12.1.
Variant type: single nucleotide variant.
Coding change: c.3166A>G on transcript NM_014915.3 (MANE Select); coding-DNA position 3166, A replaced by G.
Protein change: p.Lys1056Glu; replaces lysine 1056 with glutamic acid.
Molecular consequence: missense variant.
Genome position (GRCh38, 1-based): chr10:27,035,284, T>C on the plus strand (A>G on the coding strand, the complement: ANKRD26 is on the minus strand). VCF-style: chr10-27035284-T-C. GRCh37 (hg19) VCF-style: chr10-27324213-T-C.
Other names: c.3163A>G, p.Lys1055Glu (NM_001256053.2); short protein forms K1055E, K1056E.
Identifiers: ClinVar variation 4103623 (VCV004103623.1).
Genomic context (GRCh38, chr10:27,035,284, plus strand): 5'-GGCTATTGAGTTTACTTTCAGTTTTAAATAGTTGTTGAGAAAGAATCTCATTGTTATCTT[T>C]TAGGTTAGACACATCAAAATTCATTTTGTCCTGTAAACGAGAACATTCATCTCTTGCTCT-3'
Protein context (NP_055730.2, residues 1046-1066): DKMNFDVSNL[Lys1056Glu]DNNEILSQQL